The following is an entry in ClinVar:

NM_000180.4(GUCY2D):c.3271C>T (p.Arg1091Ter)

Gene: GUCY2D (guanylate cyclase 2D, retinal; plus strand). Cytogenetic location: 17p13.1.
Variant type: single nucleotide variant.
Coding change: c.3271C>T on transcript NM_000180.4 (MANE Select); coding-DNA position 3271, C replaced by T.
Protein change: p.Arg1091Ter; replaces arginine 1091 with a stop codon.
Molecular consequence: nonsense.
Genome position (GRCh38, 1-based): chr17:8,016,489, C>T. VCF-style: chr17-8016489-C-T. GRCh37 (hg19) VCF-style: chr17-7919807-C-T.
Other names: NM_000180.4(GUCY2D):c.3271C>T; p.Arg1091Ter; short protein forms R1091*.
Identifiers: ClinVar variation 866048 (VCV000866048.12), dbSNP rs769818541, ClinGen allele CA8366374.
Genomic context (GRCh38, chr17:8,016,489, plus strand): 5'-CCCCCTCCTTGCAGGTCCAGCAACCACGGCATCAGCCTGCAGGAGATCCCACCCGAGCGG[C>T]GACGGAAGCTGGAGAAGGCGCGGCCGGGCCAGTTCTCTTGAGAAGTGAGGCCCGGCCCCG-3'

ClinVar aggregate classification (germline): Pathogenic. Review status: reviewed by expert panel (3 of 4 stars). 4 submissions from 4 submitters: Pathogenic (1). 3 of the submissions do not count toward it. Last evaluated 2025-01-30.

Conditions:
GUCY2D-related disorders.
GUCY2D-related recessive retinopathy. Also called: Recessive GUCY2D retinopathy. Identifiers: MedGen CN305603, MONDO:0100453.
Cone-rod dystrophy 6 (CORD6). Also called: RETINAL CONE DYSTROPHY 2; Cone dystrophy progressive. Identifiers: Orphanet 1872, MedGen C1866293, MONDO:0011143, OMIM 601777.
Leber congenital amaurosis 1 (LCA1). Also called: Congenital absence of the rods and cones; Leber's congenital tapetoretinal degeneration; Leber's congenital tapetoretinal dysplasia; RETINAL BLINDNESS, CONGENITAL; AMAUROSIS CONGENITA OF LEBER I. Identifiers: Orphanet 65, MedGen C2931258, MONDO:0008764, OMIM 204000.

Allele frequency attached by ClinVar (database versions not stated): ExAC below 0.00001; gnomAD exomes below 0.00001; TOPMed 0.00001; gnomAD 0.00002.
gnomAD v4.1: 8 of 1,581,610 alleles (0.00051%); highest among the groups gnomAD compares: Non-Finnish European, 0.0006%; no homozygotes.

Submissions (4):

ClinGen Leber Congenital Amaurosis/early Onset Retinal Dystrophy Variant Curation Expert Panel, ClinGen
Classification: Pathogenic for GUCY2D-related recessive retinopathy. Last evaluated: 2025-01-30. Review status: reviewed by expert panel. Criteria: ClinGen LCAeoRD ACMG Specifications GUCY2D V1.0.0. Collection method: curation. Allele origin: germline. Inheritance: Autosomal recessive inheritance.
Comment: NM_000180.4(GUCY2D):c.3271C>T (p.Arg1091Ter) is a nonsense variant that introduces a premature stop codon into exon 19 of 20, and is predicted to lead to C-terminal truncation of a gene product in which loss-of-function is an established mechanism of disease (PVS1_Strong). This variant is present in gnomAD v.4.1.0 at a total allele frequency of 0.000005058, with 8 alleles / 1,581,610 total alleles, which is lower than the ClinGen LCA/eoRD VCEP PM2_Supporting threshold of <0.0004 (PM2_Supporting). This variant has been reported in 2 probands with early-onset severe retinal dystrophy who were compound heterozygous with either the NM_000180.4(GUCY2D):c.2302C>T (p.Arg768Trp) variant (suspected in trans, 0.5 points, PMID: 23847139) or the NM_000180.4(GUCY2D):c.937C>T (p.Arg313Cys) variant (confirmed in trans, 1 pt, VCEP member-provided data), both of which were previously classified either pathogenic or likely pathogenic by the ClinGen LCA / eoRD VCEP. The variant has been reported to segregate with childhood-onset severe retinal dystrophy through the proband plus 1 similarly affected relative, with the variant present in the compound heterozygous state (VCEP member-provided data, PP1). At least one proband harboring this variant exhibits a phenotype including diagnosis of Leber congenital amaurosis (0.5 pts) with congenital onset (1 pt), genotyping by a large gene panel that did not provide an alternative explanation for retinal disease (2 pts), nystagmus (1 pt), nyctalopia (0.5 pts), and undetectable electroretinogram responses from rods (0.5 pts) and cones (1.0 pt), which together are specific for GUCY2D-related recessive retinopathy (6.5 points, PMID: 23847139, PP4). The variant showed successsful rescue of rod and cone function when delivered by subretinal injection into Gucy2e−/−Gucy2f−/− knockout mouse retinas, but this model was not considered sufficient evidence of non-pathogenicity in humans so was not considered applicable for BS3 (PMID: 27881908). In vitro, guanylate cyclase activity is reduced to 25% but is not less than LCA/eoRD cutoff of <10% activity (PMID: 23035049) In summary, this variant meets the criteria to be classified as pathogenic for GUCY2D-related recessive retinopathy based on the ACMG/AMP criteria applied, as specified by the ClinGen LCA/eoRD VCEP: PVS1_Strong, PM2_Supporting, PM3_Strong, PP1, and PP4. (VCEP specifications version 1.0.0; date of approval 01/22/2025).

Institute of Immunology and Genetics Kaiserslautern
Classification: Likely pathogenic for Leber congenital amaurosis 1; Cone-rod dystrophy 6. Last evaluated: 2026-03-20. Review status: criteria provided, single submitter. Criteria: ACMG Guidelines, 2015. Collection method: clinical testing. Allele origin: germline. Affected: yes. Not counted in ClinVar's aggregate classification.
Comment: ACMG Criteria: PVS1_S, PM2, PM3; Variant was found in heterozygous state.

Labcorp Genetics (formerly Invitae), Labcorp
Classification: Pathogenic for Leber congenital amaurosis 1; Cone-rod dystrophy 6. Last evaluated: 2024-02-18. Review status: criteria provided, single submitter. Criteria: Invitae Variant Classification Sherloc (09022015). Collection method: clinical testing. Allele origin: germline. Not counted in ClinVar's aggregate classification.
Comment: This sequence change creates a premature translational stop signal (p.Arg1091*) in the GUCY2D gene. It is expected to result in an absent or disrupted protein product. Loss-of-function variants in GUCY2D are known to be pathogenic (PMID: 10951519, 11328726). This variant is present in population databases (rs769818541, gnomAD 0.002%). This premature translational stop signal has been observed in individual(s) with clinical features of Leber congenital amaurosis (PMID: 17964524). ClinVar contains an entry for this variant (Variation ID: 866048). For these reasons, this variant has been classified as Pathogenic.

Blueprint Genetics
Classification: Likely pathogenic for GUCY2D-related disorders. Last evaluated: 2017-12-04. Review status: criteria provided, single submitter. Criteria: ACMG Guidelines, 2015. Collection method: clinical testing. Allele origin: germline. Affected: yes. Observed: 2 variant alleles. Not counted in ClinVar's aggregate classification.

Literature cited by the submitters: PubMed 10951519 (cited by Labcorp Genetics (formerly Invitae), Labcorp); PubMed 11328726 (cited by Labcorp Genetics (formerly Invitae), Labcorp); PubMed 17964524 (cited by Labcorp Genetics (formerly Invitae), Labcorp).